The following is an entry in ClinVar:

ClinVar aggregate classification (germline): Uncertain significance. Review status: criteria provided, multiple submitters, no conflicts (2 of 4 stars). 5 submissions from 4 submitters: Uncertain significance (5). Last evaluated 2026-02-16.

Conditions:
Inborn genetic diseases. Identifiers: MedGen C0950123, MeSH D030342.
PHGDH deficiency. Identifiers: Orphanet 79351, MedGen C1866174, MONDO:0011152, OMIM 601815.
Neu-Laxova syndrome 1 (NLS1). Identifiers: Orphanet 2671, Orphanet 583607, MedGen C4551478, MONDO:0009736, OMIM 256520. Disease mechanism: loss of function.

Allele frequency attached by ClinVar (database versions not stated): gnomAD 0.00001 and 0.00003; TOPMed 0.00006.
gnomAD v4.1: 17 of 1,613,776 alleles (0.0011%); highest among the groups gnomAD compares: East Asian, 0.0089%; no homozygotes.

Submissions (5):

Ambry Genetics
Classification: Uncertain significance for Inborn genetic diseases. Last evaluated: 2026-02-16. Review status: criteria provided, single submitter. Criteria: Ambry Variant Classification Scheme 2023. Collection method: clinical testing. Allele origin: germline.

Genome-Nilou Lab
Classification: Uncertain significance for Neu-Laxova syndrome 1. Last evaluated: 2023-04-11. Review status: criteria provided, single submitter. Criteria: ACMG Guidelines, 2015. Collection method: clinical testing. Allele origin: germline. Affected: no.

Genome-Nilou Lab
Classification: Uncertain significance for PHGDH deficiency. Last evaluated: 2023-04-11. Review status: criteria provided, single submitter. Criteria: ACMG Guidelines, 2015. Collection method: clinical testing. Allele origin: germline. Affected: no.

Labcorp Genetics (formerly Invitae), Labcorp
Classification: Uncertain significance for PHGDH deficiency. Last evaluated: 2022-08-09. Review status: criteria provided, single submitter. Criteria: Invitae Variant Classification Sherloc (09022015). Collection method: clinical testing. Allele origin: germline.
Comment: This sequence change replaces serine, which is neutral and polar, with phenylalanine, which is neutral and non-polar, at codon 311 of the PHGDH protein (p.Ser311Phe). This variant is present in population databases (rs143340742, gnomAD 0.008%). This variant has not been reported in the literature in individuals affected with PHGDH-related conditions. ClinVar contains an entry for this variant (Variation ID: 1337073). Algorithms developed to predict the effect of missense changes on protein structure and function are either unavailable or do not agree on the potential impact of this missense change (SIFT: "Deleterious"; PolyPhen-2: "Possibly Damaging"; Align-GVGD: "Class C0"). In summary, the available evidence is currently insufficient to determine the role of this variant in disease. Therefore, it has been classified as a Variant of Uncertain Significance.

Genetic Services Laboratory, University of Chicago
Classification: Uncertain significance. Last evaluated: 2019-03-05. Review status: criteria provided, single submitter. Criteria: ACMG Guidelines, 2015. Collection method: clinical testing. Allele origin: germline. Affected: no.

NM_006623.4(PHGDH):c.932C>T (p.Ser311Phe)

Gene: PHGDH (phosphoglycerate dehydrogenase; plus strand). Cytogenetic location: 1p12.
Variant type: single nucleotide variant.
Coding change: c.932C>T on transcript NM_006623.4 (MANE Select); coding-DNA position 932, C replaced by T.
Protein change: p.Ser311Phe; replaces serine 311 with phenylalanine.
Molecular consequence: missense variant.
Genome position (GRCh38, 1-based): chr1:119,737,253, C>T. VCF-style: chr1-119737253-C-T. GRCh37 (hg19) VCF-style: chr1-120279876-C-T.
Other names: short protein forms S311F.
Identifiers: ClinVar variation 1337073 (VCV001337073.8), dbSNP rs143340742, ClinGen allele CA1037294.